The following is an entry in ClinVar:

NM_001375524.1(TRRAP):c.7962A>G (p.Ala2654=)

Gene: TRRAP (transformation/transcription domain associated protein; plus strand). Cytogenetic location: 7q22.1.
Variant type: single nucleotide variant.
Coding change: c.7962A>G on transcript NM_001375524.1 (MANE Select); coding-DNA position 7962, A replaced by G.
Protein change: p.Ala2654=; no amino-acid change (alanine 2654 retained).
Molecular consequence: synonymous variant.
Genome position (GRCh38, 1-based): chr7:98,976,485, A>G. VCF-style: chr7-98976485-A-G. GRCh37 (hg19) VCF-style: chr7-98574108-A-G.
Other names: c.7941A>G, p.Ala2647= (NM_001244580.2); c.7887A>G, p.Ala2629= (NM_003496.4); c.7887A>G (NM_003496.3).
Identifiers: ClinVar variation 1906738 (VCV001906738.7), dbSNP rs777244112, ClinGen allele CA4361300.
Genomic context (GRCh38, chr7:98,976,485, plus strand): 5'-ACAGCAAGACTTGCCGATTTTTGAATGAAGGCCTAAATGACATGTGCTTTGGTTTCAGGC[A>G]CTCGCGGGTGAGATAAGTCCATTTCTGTGCAGCGGCAGTCACCAGGTGCAGCGGGACTGC-3'
Protein context (NP_001362453.1, residues 2644-2664): WKILSDRQQH[Ala2654=]LAGEISPFLC

ClinVar aggregate classification (germline): Likely benign. Review status: criteria provided, single submitter (1 of 4 stars). 2 submissions from 2 submitters: Likely benign (1). 1 of the submissions does not count toward it. Last evaluated 2022-11-21.

Conditions:
TRRAP-related disorder. Also called: TRRAP-related condition.

Allele frequency attached by ClinVar (database versions not stated): gnomAD 0.00001; TOPMed 0.00001; gnomAD exomes 0.00002; ExAC 0.00003.
gnomAD v4.1: 33 of 1,606,580 alleles (0.0021%); highest among the groups gnomAD compares: Non-Finnish European, 0.0026%; no homozygotes.

Submissions (2):

Labcorp Genetics (formerly Invitae), Labcorp
Classification: Likely benign. Last evaluated: 2022-11-21. Review status: criteria provided, single submitter. Criteria: Invitae Variant Classification Sherloc (09022015). Collection method: clinical testing. Allele origin: germline.

PreventionGenetics, part of Exact Sciences
Classification: Likely benign for TRRAP-related condition. Last evaluated: 2019-03-20. Review status: no assertion criteria provided. Collection method: clinical testing. Allele origin: germline. Not counted in ClinVar's aggregate classification.
Comment: This variant is classified as likely benign based on ACMG/AMP sequence variant interpretation guidelines (Richards et al. 2015 PMID: 25741868, with internal and published modifications).